The following is an entry in ClinVar:

ClinVar aggregate classification (germline): Benign. Review status: criteria provided, multiple submitters, no conflicts (2 of 4 stars). 2 submissions from 2 submitters: Benign (2). Last evaluated 2018-06-14.

Allele frequency attached by ClinVar (database versions not stated): TOPMed 0.19560; 1000 Genomes Project 0.28175; gnomAD 0.29324 and 0.29983.
gnomAD v4.1: 28,665 of 96,020 alleles (30%); highest among the groups gnomAD compares: East Asian, 52%; 3,079 homozygotes.

Submissions (13):

GeneDx
Classification: Benign. Last evaluated: 2018-06-14. Review status: criteria provided, single submitter. Criteria: GeneDx Variant Classification (06012015). Collection method: clinical testing. Allele origin: germline. Affected: yes.
Comment: This variant is considered likely benign or benign based on one or more of the following criteria: it is a conservative change, it occurs at a poorly conserved position in the protein, it is predicted to be benign by multiple in silico algorithms, and/or has population frequency not consistent with disease.

Breakthrough Genomics
Classification: Benign. Review status: criteria provided, single submitter. Criteria: ACMG Guidelines, 2015. Collection method: not provided. Allele origin: germline. Inheritance: Autosomal recessive inheritance. Affected: yes.

Dr. Peter K. Rogan Lab, Western University
No classification provided (evidence only). Condition: Familial cancer of breast. Review status: no classification provided. Collection method: in vitro. Allele origin: not applicable. Functional consequence: retained intron. Not counted in ClinVar's aggregate classification.

Dr. Peter K. Rogan Lab, Western University
No classification provided (evidence only). Condition: Uterine corpus endometrial carcinoma. Review status: no classification provided. Collection method: in vitro. Allele origin: not applicable. Functional consequence: retained intron. Not counted in ClinVar's aggregate classification.

Dr. Peter K. Rogan Lab, Western University
No classification provided (evidence only). Condition: Malignant lymphoma, large B-cell, diffuse. Review status: no classification provided. Collection method: in vitro. Allele origin: not applicable. Functional consequence: retained intron. Not counted in ClinVar's aggregate classification.

Dr. Peter K. Rogan Lab, Western University
No classification provided (evidence only). Condition: Malignant lymphoma, large B-cell, diffuse. Review status: no classification provided. Collection method: in vitro. Allele origin: not applicable. Functional consequence: retained intron. Not counted in ClinVar's aggregate classification.

Dr. Peter K. Rogan Lab, Western University
No classification provided (evidence only). Condition: Malignant tumor of esophagus. Review status: no classification provided. Collection method: in vitro. Allele origin: not applicable. Functional consequence: retained intron. Not counted in ClinVar's aggregate classification.

Dr. Peter K. Rogan Lab, Western University
No classification provided (evidence only). Condition: Malignant tumor of esophagus. Review status: no classification provided. Collection method: in vitro. Allele origin: not applicable. Functional consequence: retained intron. Not counted in ClinVar's aggregate classification.

Dr. Peter K. Rogan Lab, Western University
No classification provided (evidence only). Condition: Malignant tumor of esophagus. Review status: no classification provided. Collection method: in vitro. Allele origin: not applicable. Functional consequence: retained intron. Not counted in ClinVar's aggregate classification.

Dr. Peter K. Rogan Lab, Western University
No classification provided (evidence only). Condition: Malignant tumor of esophagus. Review status: no classification provided. Collection method: in vitro. Allele origin: not applicable. Functional consequence: retained intron. Not counted in ClinVar's aggregate classification.

Dr. Peter K. Rogan Lab, Western University
No classification provided (evidence only). Condition: Malignant tumor of esophagus. Review status: no classification provided. Collection method: in vitro. Allele origin: not applicable. Functional consequence: retained intron. Not counted in ClinVar's aggregate classification.

Dr. Peter K. Rogan Lab, Western University
No classification provided (evidence only). Condition: Malignant tumor of esophagus. Review status: no classification provided. Collection method: in vitro. Allele origin: not applicable. Functional consequence: retained intron. Not counted in ClinVar's aggregate classification.

Dr. Peter K. Rogan Lab, Western University
No classification provided (evidence only). Condition: Malignant tumor of esophagus. Review status: no classification provided. Collection method: in vitro. Allele origin: not applicable. Functional consequence: retained intron. Not counted in ClinVar's aggregate classification.

NM_002495.4(NDUFS4):c.425-174G>A

Gene: NDUFS4 (NADH:ubiquinone oxidoreductase subunit S4; plus strand). Cytogenetic location: 5q11.2.
Variant type: single nucleotide variant.
Coding change: c.425-174G>A on transcript NM_002495.4 (MANE Select); 174 bases into the intron before coding-DNA position 425, G replaced by A.
Molecular consequence: intron variant.
Genome position (GRCh38, 1-based): chr5:53,682,944, G>A. VCF-style: chr5-53682944-G-A. GRCh37 (hg19) VCF-style: chr5-52978774-G-A.
Other names: NC_000005.9:g.52978774G>A; c.351-174G>A (NM_001318051.2).
Identifiers: ClinVar variation 669918 (VCV000669918.3), dbSNP rs2290696, ClinGen allele CA15416978.